The following is an entry in ClinVar:

NM_006031.6(PCNT):c.4962+1G>C

Gene: PCNT (pericentrin; plus strand). Cytogenetic location: 21q22.3.
Variant type: single nucleotide variant.
Coding change: c.4962+1G>C on transcript NM_006031.6 (MANE Select); the canonical splice donor site of the intron after coding-DNA position 4962, G replaced by C.
Molecular consequence: splice donor variant.
Genome position (GRCh38, 1-based): chr21:46,401,722, G>C. VCF-style: chr21-46401722-G-C. GRCh37 (hg19) VCF-style: chr21-47821636-G-C.
Other names: c.4608+1G>C (NM_001315529.2).
Identifiers: ClinVar variation 3001023 (VCV003001023.3), dbSNP rs759918881, ClinGen allele CA322037696.

ClinVar aggregate classification (germline): Likely pathogenic (1 of 4 stars; one submission).

Allele frequency attached by ClinVar (database versions not stated): gnomAD 0.00001; TOPMed 0.00002.
gnomAD v4.1: 2 of 1,613,932 alleles (0.00012%); highest among the groups gnomAD compares: Admixed American, 0.0017%; no homozygotes.

Submission:

Labcorp Genetics (formerly Invitae), Labcorp
Classification: Likely pathogenic. Last evaluated: 2024-03-01. Review status: criteria provided, single submitter. Criteria: Invitae Variant Classification Sherloc (09022015). Collection method: clinical testing. Allele origin: germline.
Comment: This sequence change affects a donor splice site in intron 26 of the PCNT gene. It is expected to disrupt RNA splicing. Variants that disrupt the donor or acceptor splice site typically lead to a loss of protein function (PMID: 16199547), and loss-of-function variants in PCNT are known to be pathogenic (PMID: 18174396, 22821869). This variant is present in population databases (no rsID available, gnomAD no frequency). This variant has not been reported in the literature in individuals affected with PCNT-related conditions. Algorithms developed to predict the effect of sequence changes on RNA splicing suggest that this variant may disrupt the consensus splice site. In summary, the currently available evidence indicates that the variant is pathogenic, but additional data are needed to prove that conclusively. Therefore, this variant has been classified as Likely Pathogenic.

Literature cited by the submitters: PubMed 16199547; PubMed 18174396; PubMed 22821869.